The following is an entry in ClinVar:

ClinVar aggregate classification (germline): Likely benign. Review status: criteria provided, multiple submitters, no conflicts (2 of 4 stars). 2 submissions from 2 submitters: Likely benign (2). Last evaluated 2025-09-01.

Conditions:
Combined immunodeficiency due to DOCK8 deficiency (HIES2). Also called: HYPER-IgE RECURRENT INFECTION SYNDROME 2, AUTOSOMAL RECESSIVE; HIES autosomal recessive; Hyper-IgE recurrent infection syndrome, autosomal recessive; HYPER-IgE SYNDROME 2, AUTOSOMAL RECESSIVE, WITH RECURRENT INFECTIONS; DOCK8 Deficiency. Identifiers: Orphanet 217390, MedGen C4722305, MONDO:0009478, OMIM 243700.

Allele frequency attached by ClinVar (database versions not stated): gnomAD 0.00001; TOPMed 0.00001.
gnomAD v4.1: 13 of 1,613,966 alleles (0.00081%); highest among the groups gnomAD compares: East Asian, 0.0067%; no homozygotes.

Submissions (2):

CeGaT Center for Human Genetics Tuebingen
Classification: Likely benign. Last evaluated: 2025-09-01. Review status: criteria provided, single submitter. Criteria: CeGaT Center For Human Genetics Tuebingen Variant Classification Criteria Version 2. Collection method: clinical testing. Allele origin: germline. Affected: yes. Observed: 1 variant allele.
Comment: DOCK8: BP4, BP7

Labcorp Genetics (formerly Invitae), Labcorp
Classification: Likely benign for Combined immunodeficiency due to DOCK8 deficiency. Last evaluated: 2025-01-12. Review status: criteria provided, single submitter. Criteria: Invitae Variant Classification Sherloc (09022015). Collection method: clinical testing. Allele origin: germline.

NM_203447.4(DOCK8):c.4269C>G (p.Ala1423=)

Gene: DOCK8 (dedicator of cytokinesis 8; plus strand). Cytogenetic location: 9p24.3.
Variant type: single nucleotide variant.
Coding change: c.4269C>G on transcript NM_203447.4 (MANE Select); coding-DNA position 4269, C replaced by G.
Protein change: p.Ala1423=; no amino-acid change (alanine 1423 retained).
Molecular consequence: synonymous variant.
Genome position (GRCh38, 1-based): chr9:426,912, C>G. VCF-style: chr9-426912-C-G. GRCh37 (hg19) VCF-style: chr9-426912-C-G.
Other names: c.3969C>G, p.Ala1323= (NM_001190458.2); c.4065C>G, p.Ala1355= (NM_001193536.2).
Identifiers: ClinVar variation 2201249 (VCV002201249.12), dbSNP rs756260480, ClinGen allele CA4959021.